The following is an entry in ClinVar:

ClinVar aggregate classification (germline): Uncertain significance (1 of 4 stars; one submission).

Conditions:
Nemaline myopathy 2 (NEM2). Also called: Nemaline myopathy 2, autosomal recessive. Identifiers: MedGen C1850569, MONDO:0009725, OMIM 256030.

Allele frequency attached by ClinVar (database versions not stated): gnomAD exomes below 0.00001; TOPMed below 0.00001; gnomAD 0.00001.
gnomAD v4.1: 8 of 1,613,674 alleles (0.0005%); highest among the groups gnomAD compares: Non-Finnish European, 0.00059%; no homozygotes.

Submission:

Labcorp Genetics (formerly Invitae), Labcorp
Classification: Uncertain significance for Nemaline myopathy 2. Last evaluated: 2021-08-27. Review status: criteria provided, single submitter. Criteria: Invitae Variant Classification Sherloc (09022015). Collection method: clinical testing. Allele origin: germline.
Comment: This sequence change replaces asparagine with serine at codon 3691 of the NEB protein (p.Asn3691Ser). The asparagine residue is moderately conserved and there is a small physicochemical difference between asparagine and serine. This variant is not present in population databases (ExAC no frequency). This variant has not been reported in the literature in individuals affected with NEB-related conditions. Algorithms developed to predict the effect of missense changes on protein structure and function output the following: SIFT: "Tolerated"; PolyPhen-2: "Not Available"; Align-GVGD: "Class C0". The serine amino acid residue is found in multiple mammalian species, which suggests that this missense change does not adversely affect protein function. Algorithms developed to predict the effect of sequence changes on RNA splicing suggest that this variant may create or strengthen a splice site. In summary, the available evidence is currently insufficient to determine the role of this variant in disease. Therefore, it has been classified as a Variant of Uncertain Significance.

NM_001164508.2(NEB):c.11072A>G (p.Asn3691Ser)

Gene: NEB (nebulin; minus strand). Cytogenetic location: 2q23.3.
Variant type: single nucleotide variant.
Coding change: c.11072A>G on transcript NM_001164508.2 (MANE Select); coding-DNA position 11072, A replaced by G.
Protein change: p.Asn3691Ser; replaces asparagine 3691 with serine.
Molecular consequence: missense variant.
Genome position (GRCh38, 1-based): chr2:151,618,279, T>C on the plus strand (A>G on the coding strand, the complement: NEB is on the minus strand). VCF-style: chr2-151618279-T-C. GRCh37 (hg19) VCF-style: chr2-152474793-T-C.
Other names: c.11072A>G, p.Asn3691Ser (NM_001164507.2, NM_001271208.2); c.10343A>G, p.Asn3448Ser (NM_004543.5); short protein forms N3448S, N3691S.
Identifiers: ClinVar variation 639683 (VCV000639683.6), dbSNP rs1184035076, ClinGen allele CA348785584.